The following is an entry in ClinVar:

NM_001106.4(ACVR2B):c.488G>A (p.Arg163His)

Gene: ACVR2B (activin A receptor type 2B; plus strand). Cytogenetic location: 3p22.2.
Variant type: single nucleotide variant.
Coding change: c.488G>A on transcript NM_001106.4 (MANE Select); coding-DNA position 488, G replaced by A.
Protein change: p.Arg163His; replaces arginine 163 with histidine.
Molecular consequence: missense variant.
Genome position (GRCh38, 1-based): chr3:38,478,258, G>A. VCF-style: chr3-38478258-G-A. GRCh37 (hg19) VCF-style: chr3-38519749-G-A.
Other names: c.488G>A (NM_001106.3); short protein forms R163H.
Identifiers: ClinVar variation 2979619 (VCV002979619.4), dbSNP rs370063198, ClinGen allele CA2318822.

ClinVar aggregate classification (germline): Uncertain significance. Review status: criteria provided, multiple submitters, no conflicts (2 of 4 stars). 2 submissions from 2 submitters: Uncertain significance (2). Last evaluated 2023-12-11.

Conditions:
Heterotaxy, visceral, 4, autosomal (HTX4). Identifiers: Orphanet 450, MedGen C3151057, MONDO:0013403, OMIM 613751.

Allele frequency attached by ClinVar (database versions not stated): gnomAD 0.00005; 1000 Genomes Project 30x 0.00031; 1000 Genomes Project 0.00040.

Submissions (2):

Ambry Genetics
Classification: Uncertain significance. Last evaluated: 2023-12-11. Review status: criteria provided, single submitter. Criteria: Ambry Variant Classification Scheme 2023. Collection method: clinical testing. Allele origin: germline.

Labcorp Genetics (formerly Invitae), Labcorp
Classification: Uncertain significance for Heterotaxy, visceral, 4, autosomal. Last evaluated: 2023-02-14. Review status: criteria provided, single submitter. Criteria: Invitae Variant Classification Sherloc (09022015). Collection method: clinical testing. Allele origin: germline.
Comment: This variant is present in population databases (rs370063198, gnomAD 0.02%). This sequence change replaces arginine, which is basic and polar, with histidine, which is basic and polar, at codon 163 of the ACVR2B protein (p.Arg163His). This variant has not been reported in the literature in individuals affected with ACVR2B-related conditions. In summary, the available evidence is currently insufficient to determine the role of this variant in disease. Therefore, it has been classified as a Variant of Uncertain Significance. Advanced modeling of protein sequence and biophysical properties (such as structural, functional, and spatial information, amino acid conservation, physicochemical variation, residue mobility, and thermodynamic stability) performed at Invitae indicates that this missense variant is not expected to disrupt ACVR2B protein function.